The following is an entry in ClinVar:

NM_004208.4(AIFM1):c.493G>A (p.Asp165Asn)

Genes: AIFM1 (apoptosis inducing factor mitochondria associated 1; minus strand), RAB33A (RAB33A, member RAS oncogene family; plus strand). Cytogenetic location: Xq26.1.
Variant type: single nucleotide variant.
Coding change: c.493G>A on transcript NM_004208.4 (MANE Select); coding-DNA position 493, G replaced by A.
Protein change: p.Asp165Asn; replaces aspartic acid 165 with asparagine.
Molecular consequence: missense variant. On other transcripts: non-coding transcript variant (1).
Genome position (GRCh38, 1-based): chrX:130,147,605, C>T on the plus strand (G>A on the coding strand, the complement: AIFM1 is on the minus strand). VCF-style: chrX-130147605-C-T. GRCh37 (hg19) VCF-style: chrX-129281580-C-T.
Other names: c.493G>A, p.Asp165Asn (NM_001130847.4); c.481G>A, p.Asp161Asn (NM_145812.3); short protein forms D161N, D165N.
Identifiers: ClinVar variation 4783079 (VCV004783079.1).
Genomic context (GRCh38, chrX:130,147,605, plus strand): 5'-GGTCATCTGAAAACCACAGTTCTTTTGAAAGAGGAGGTCGCATGTACGGCAGCTCAGGAT[C>T]TTCAGATACAATCAGTACCTTCAGACATAAAAATCATGACGCTTATCAGAGCCAAGTCAT-3'
Protein context (NP_004199.1, residues 155-175): PGARVLIVSE[Asp165Asn]PELPYMRPPL

ClinVar aggregate classification (germline): Uncertain significance (1 of 4 stars; one submission).

Conditions:
Combined oxidative phosphorylation deficiency. Identifiers: MedGen C4540031, MONDO:0000732.
Charcot-Marie-Tooth Neuropathy X. Identifiers: MedGen CN118851.

Submission:

Labcorp Genetics (formerly Invitae), Labcorp
Classification: Uncertain significance for Charcot-Marie-Tooth Neuropathy X; Combined oxidative phosphorylation deficiency. Last evaluated: 2025-04-15. Review status: criteria provided, single submitter. Criteria: Invitae Variant Classification Sherloc (09022015). Collection method: clinical testing. Allele origin: germline.
Comment: This sequence change replaces aspartic acid, which is acidic and polar, with asparagine, which is neutral and polar, at codon 165 of the AIFM1 protein (p.Asp165Asn). This variant is not present in population databases (gnomAD no frequency). This variant has not been reported in the literature in individuals affected with AIFM1-related conditions. Invitae Evidence Modeling of protein sequence and biophysical properties (such as structural, functional, and spatial information, amino acid conservation, physicochemical variation, residue mobility, and thermodynamic stability) has been performed for this missense variant. However, the output from this modeling did not meet the statistical confidence thresholds required to predict the impact of this variant on AIFM1 protein function. In summary, the available evidence is currently insufficient to determine the role of this variant in disease. Therefore, it has been classified as a Variant of Uncertain Significance.